The following is an entry in ClinVar:

ClinVar aggregate classification (germline): Uncertain significance (1 of 4 stars; one submission).

Submission:

GeneDx
Classification: Uncertain significance. Last evaluated: 2023-03-13. Review status: criteria provided, single submitter. Criteria: GeneDx Variant Classification Process June 2021. Collection method: clinical testing. Allele origin: germline. Affected: yes.
Comment: Not observed at significant frequency in large population cohorts (gnomAD); Missense variants in this gene are often considered pathogenic (HGMD); In silico analysis supports that this missense variant has a deleterious effect on protein structure/function; Has not been previously published as pathogenic or benign to our knowledge

NM_005633.4(SOS1):c.3974C>T (p.Pro1325Leu)

Gene: SOS1 (SOS Ras/Rac guanine nucleotide exchange factor 1; minus strand). Cytogenetic location: 2p22.1.
Variant type: single nucleotide variant.
Coding change: c.3974C>T on transcript NM_005633.4 (MANE Select); coding-DNA position 3974, C replaced by T.
Protein change: p.Pro1325Leu; replaces proline 1325 with leucine.
Molecular consequence: missense variant.
Genome position (GRCh38, 1-based): chr2:38,985,852, G>A on the plus strand (C>T on the coding strand, the complement: SOS1 is on the minus strand). VCF-style: chr2-38985852-G-A. GRCh37 (hg19) VCF-style: chr2-39212993-G-A.
Other names: c.3953C>T, p.Pro1318Leu (NM_001382394.1); c.3929C>T, p.Pro1310Leu (NM_001382395.1); short protein forms P1310L, P1318L, P1325L.
Identifiers: ClinVar variation 2580022 (VCV002580022.1), dbSNP rs2528868783, ClinGen allele CA346361918.